The following is an entry in ClinVar:

ClinVar aggregate classification (germline): Uncertain significance. Review status: criteria provided, multiple submitters, no conflicts (2 of 4 stars). 3 submissions from 3 submitters: Uncertain significance (3). Last evaluated 2026-01-14.

Conditions:
Inborn genetic diseases. Identifiers: MedGen C0950123, MeSH D030342.

Allele frequency attached by ClinVar (database versions not stated): TOPMed below 0.00001; ExAC 0.00001; gnomAD 0.00001; gnomAD exomes 0.00003.
gnomAD v4.1: 31 of 1,208,418 alleles (0.0026%); highest among the groups gnomAD compares: Non-Finnish European, 0.0034%; no homozygotes.

Submissions (3):

Ambry Genetics
Classification: Uncertain significance for Inborn genetic diseases. Last evaluated: 2026-01-14. Review status: criteria provided, single submitter. Criteria: Ambry Variant Classification Scheme 2023. Collection method: clinical testing. Allele origin: germline.
Comment: The c.299T>A (p.V100D) alteration is located in exon 5 (coding exon 5) of the BRWD3 gene. This alteration results from a T to A substitution at nucleotide position 299, causing the valine (V) at amino acid position 100 to be replaced by an aspartic acid (D). Based on data from gnomAD, the A allele has an overall frequency of 0.001% (2/183381) total alleles studied. The highest observed frequency was 0.002% (2/81897) of European (non-Finnish) alleles. Based on insufficient or conflicting evidence, the clinical significance of this alteration remains unclear.

Labcorp Genetics (formerly Invitae), Labcorp
Classification: Uncertain significance. Last evaluated: 2025-11-15. Review status: criteria provided, single submitter. Criteria: Invitae Variant Classification Sherloc (09022015). Collection method: clinical testing. Allele origin: germline.
Comment: This sequence change replaces valine, which is neutral and non-polar, with aspartic acid, which is acidic and polar, at codon 100 of the BRWD3 protein (p.Val100Asp). This variant is present in population databases (rs764218578, gnomAD 0.002%). This variant has not been reported in the literature in individuals affected with BRWD3-related conditions. ClinVar contains an entry for this variant (Variation ID: 1931306). Invitae Evidence Modeling of protein sequence and biophysical properties (such as structural, functional, and spatial information, amino acid conservation, physicochemical variation, residue mobility, and thermodynamic stability) indicates that this missense variant is not expected to disrupt BRWD3 protein function with a negative predictive value of 80%. In summary, the available evidence is currently insufficient to determine the role of this variant in disease. Therefore, it has been classified as a Variant of Uncertain Significance.

Women's Health and Genetics/Laboratory Corporation of America, LabCorp
Classification: Uncertain significance. Last evaluated: 2024-06-21. Review status: criteria provided, single submitter. Criteria: LabCorp Variant Classification Summary - May 2015. Collection method: clinical testing. Allele origin: germline.
Comment: Variant summary: BRWD3 c.299T>A (p.Val100Asp) results in a non-conservative amino acid change in the encoded protein sequence. Four of five in-silico tools predict a damaging effect of the variant on protein function. The variant allele was found at a frequency of 1.1e-05 in 183381 control chromosomes (gnomAD). The available data on variant occurrences in the general population are insufficient to allow any conclusion about variant significance. To our knowledge, no occurrence of c.299T>A in individuals affected with Intellectual Disability, X-Linked 93 and no experimental evidence demonstrating its impact on protein function have been reported. ClinVar contains an entry for this variant (Variation ID: 1931306). Based on the evidence outlined above, the variant was classified as uncertain significance.

NM_153252.5(BRWD3):c.299T>A (p.Val100Asp)

Gene: BRWD3 (bromodomain and WD repeat domain containing 3; minus strand). Cytogenetic location: Xq21.1.
Variant type: single nucleotide variant.
Coding change: c.299T>A on transcript NM_153252.5 (MANE Select); coding-DNA position 299, T replaced by A.
Protein change: p.Val100Asp; replaces valine 100 with aspartic acid.
Molecular consequence: missense variant.
Genome position (GRCh38, 1-based): chrX:80,793,654, A>T on the plus strand (T>A on the coding strand, the complement: BRWD3 is on the minus strand). VCF-style: chrX-80793654-A-T. GRCh37 (hg19) VCF-style: chrX-80049153-A-T.
Other names: c.299T>A (NM_153252.4); short protein forms V100D.
Identifiers: ClinVar variation 1931306 (VCV001931306.7), dbSNP rs764218578, ClinGen allele CA10462398.